The following is an entry in ClinVar:

ClinVar aggregate classification (germline): Conflicting classifications of pathogenicity. Review status: criteria provided, conflicting classifications (1 of 4 stars). 4 submissions from 4 submitters: Uncertain significance (2); Likely benign (1). 1 of the submissions does not count toward it. Last evaluated 2025-11-18.

Conditions:
Nemaline myopathy 2 (NEM2). Also called: Nemaline myopathy 2, autosomal recessive. Identifiers: MedGen C1850569, MONDO:0009725, OMIM 256030.

Allele frequency attached by ClinVar (database versions not stated): ExAC 0.00001; gnomAD exomes 0.00001 and 0.00002; gnomAD 0.00002; TOPMed 0.00002.
gnomAD v4.1: 36 of 1,613,720 alleles (0.0022%); highest among the groups gnomAD compares: Non-Finnish European, 0.0028%; no homozygotes.

Submissions (4):

Labcorp Genetics (formerly Invitae), Labcorp
Classification: Likely benign for Nemaline myopathy 2. Last evaluated: 2025-11-18. Review status: criteria provided, single submitter. Criteria: Invitae Variant Classification Sherloc (09022015). Collection method: clinical testing. Allele origin: germline.

GeneDx
Classification: Uncertain significance. Last evaluated: 2025-10-03. Review status: criteria provided, single submitter. Criteria: GeneDx Variant Classification Process June 2021. Collection method: clinical testing. Allele origin: germline. Affected: yes.
Comment: Not observed at significant frequency in large population cohorts (gnomAD); In silico analysis suggests that this missense variant does not alter protein structure/function; Has not been previously published as pathogenic or benign to our knowledge

Revvity Omics, Revvity
Classification: Uncertain significance. Last evaluated: 2021-11-26. Review status: criteria provided, single submitter. Criteria: ACMG Guidelines, 2015. Collection method: clinical testing. Allele origin: germline.

Natera, Inc.
Classification: Uncertain significance for Nemaline myopathy type 2. Last evaluated: 2020-09-16. Review status: no assertion criteria provided. Collection method: clinical testing. Allele origin: germline. Not counted in ClinVar's aggregate classification.

NM_001164508.2(NEB):c.3634G>A (p.Asp1212Asn)

Gene: NEB (nebulin; minus strand). Cytogenetic location: 2q23.3.
Variant type: single nucleotide variant.
Coding change: c.3634G>A on transcript NM_001164508.2 (MANE Select); coding-DNA position 3634, G replaced by A.
Protein change: p.Asp1212Asn; replaces aspartic acid 1212 with asparagine.
Molecular consequence: missense variant.
Genome position (GRCh38, 1-based): chr2:151,677,705, C>T on the plus strand (G>A on the coding strand, the complement: NEB is on the minus strand). VCF-style: chr2-151677705-C-T. GRCh37 (hg19) VCF-style: chr2-152534219-C-T.
Other names: c.3634G>A, p.Asp1212Asn (NM_001164507.2, NM_001271208.2, NM_004543.5); short protein forms D1212N.
Identifiers: ClinVar variation 837140 (VCV000837140.13), dbSNP rs779673816, ClinGen allele CA1910862.
Genomic context (GRCh38, chr2:151,677,705, plus strand): 5'-GATGTTGCCTGTACTTCTTTTCATTCAGAGCATCACCGGCCTTTTTAACTTTTTCGACGT[C>T]GAGACTGCCAATAGGAATCCAGCCAATGCCTTTCATCCAGTTGTTGTAGTCTTCCTTGTA-3'
Protein context (NP_001157980.2, residues 1202-1222): GIGWIPIGSL[Asp1212Asn]VEKVKKAGDA